The following is an entry in ClinVar:

ClinVar aggregate classification (germline): Pathogenic/Likely pathogenic. Review status: criteria provided, multiple submitters, no conflicts (2 of 4 stars). 5 submissions from 5 submitters: Pathogenic (4); Likely pathogenic (1). Last evaluated 2026-09-08.

Conditions:
Fabry disease. Also called: Fabry's disease; ANDERSON-FABRY DISEASE; CERAMIDE TRIHEXOSIDASE DEFICIENCY; Angiokeratoma corporis diffusum; GLA DEFICIENCY; HEREDITARY DYSTOPIC LIPIDOSIS. Identifiers: Orphanet 324, MedGen C0002986, MONDO:0010526, OMIM 301500, HP:0001071. Disease mechanism: loss of function, Fabry disease is due to inactivating mutations in the X-linked GLA gene resulting in deficiency of the enzyme Alpha Galactosidase-A..

Submissions (5):

Genomenon, Inc
Classification: Pathogenic for Fabry disease. Last evaluated: 2026-09-08. Review status: criteria provided, single submitter. Criteria: Genomenon Sequence Variant Interpretation Standards - Updated. Collection method: curation. Allele origin: germline. Affected: yes.
Comment: GLA p.Gly138Glu (c.413G>A) is a missense variant that changes the amino acid at codon 138 from Glycine to Glutamic acid. This variant has been observed in at least one proband with clinical features consistent with Fabry disease (PMID:11179018;16148726;30380558;18941922;15713906;15939645;33204599;30762167;12428061;17224688). The variant was found to segregate with disease in at least one affected family (PMID:30762167). At least one functional study has demonstrated a substantial alteration in protein function relative to the wild-type (PMID:21598360;27657681). This variant is located in a mutational hotspot and/or important functional domain. It is absent or not present at a significant frequency in gnomAD. In silico models predict that this variant is possibly or probably damaging. In conclusion, we classify GLA p.Gly138Glu (c.413G>A) as a pathogenic variant.

Genome-Nilou Lab
Classification: Pathogenic for Fabry disease. Last evaluated: 2021-07-15. Review status: criteria provided, single submitter. Criteria: ACMG Guidelines, 2015. Collection method: clinical testing. Allele origin: germline. Affected: no.

Women's Health and Genetics/Laboratory Corporation of America, LabCorp
Classification: Pathogenic for Fabry disease. Last evaluated: 2021-03-24. Review status: criteria provided, single submitter. Criteria: LabCorp Variant Classification Summary - May 2015. Collection method: clinical testing. Allele origin: germline.
Comment: Variant summary: GLA c.413G>A (p.Gly138Glu) results in a non-conservative amino acid change in the encoded protein sequence. Five of five in-silico tools predict a damaging effect of the variant on protein function. The variant was absent in 183467 control chromosomes (gnomAD). c.413G>A has been reported in the literature in multiple individuals/families affected with Fabry Disease (e.g. Germain_2002, Ries_2005, Wu_2011, Lin_2018). These data indicate that the variant is very likely to be associated with disease. Experimental evidence demonstrated the variant results in absent or very low enzyme activity (e.g. Ries_2005, Wu_2011). A ClinVar submitter (evaluation after 2014) cites the variant as pathogenic. Based on the evidence outlined above, the variant was classified as pathogenic.

Labcorp Genetics (formerly Invitae), Labcorp
Classification: Pathogenic for Fabry disease. Last evaluated: 2020-07-15. Review status: criteria provided, single submitter. Criteria: Invitae Variant Classification Sherloc (09022015). Collection method: clinical testing. Allele origin: germline.
Comment: For these reasons, this variant has been classified as Pathogenic. This variant disrupts the p.Gly138 amino acid residue in GLA. Other variant(s) that disrupt this residue have been observed in individuals with GLA-related conditions (PMID: 9100224, 15713906, 30380558, 15091117), which suggests that this may be a clinically significant amino acid residue. Algorithms developed to predict the effect of missense changes on protein structure and function (SIFT, PolyPhen-2, Align-GVGD) all suggest that this variant is likely to be disruptive, but these predictions have not been confirmed by published functional studies and their clinical significance is uncertain. This variant has been observed in individual(s) with Fabry disease (PMID: 30380558, 15091117, 15713906, 30762167). This variant is not present in population databases (ExAC no frequency). This sequence change replaces glycine with glutamic acid at codon 138 of the GLA protein (p.Gly138Glu). The glycine residue is highly conserved and there is a moderate physicochemical difference between glycine and glutamic acid.

Revvity Omics, Revvity
Classification: Likely pathogenic. Last evaluated: 2019-06-16. Review status: criteria provided, single submitter. Criteria: ACMG Guidelines, 2015. Collection method: clinical testing. Allele origin: germline.

Literature cited by the submitters: PubMed 11179018 (cited by Genomenon, Inc); PubMed 16148726 (cited by Genomenon, Inc); PubMed 30380558 (cited by 3 submitters); PubMed 18941922 (cited by Genomenon, Inc); PubMed 15713906 (cited by 3 submitters); PubMed 15939645 (cited by Genomenon, Inc); PubMed 33204599 (cited by Genomenon, Inc); PubMed 30762167 (cited by Genomenon, Inc and Labcorp Genetics (formerly Invitae), Labcorp); PubMed 12428061 (cited by Genomenon, Inc and Women's Health and Genetics/Laboratory Corporation of America, LabCorp); PubMed 17224688 (cited by Genomenon, Inc); PubMed 21598360 (cited by Genomenon, Inc and Women's Health and Genetics/Laboratory Corporation of America, LabCorp); PubMed 27657681 (cited by Genomenon, Inc); PubMed 9100224 (cited by Labcorp Genetics (formerly Invitae), Labcorp); PubMed 15091117 (cited by Labcorp Genetics (formerly Invitae), Labcorp).

NM_000169.3(GLA):c.413G>A (p.Gly138Glu)

Genes: GLA (galactosidase alpha; minus strand), RPL36A-HNRNPH2 (RPL36A-HNRNPH2 readthrough; plus strand). Cytogenetic location: Xq22.1.
Variant type: single nucleotide variant.
Coding change: c.413G>A on transcript NM_000169.3 (MANE Select); coding-DNA position 413, G replaced by A.
Protein change: p.Gly138Glu; replaces glycine 138 with glutamic acid.
Molecular consequence: missense variant. On other transcripts: non-coding transcript variant (3), intron variant (2).
Genome position (GRCh38, 1-based): chrX:101,401,766, C>T on the plus strand (G>A on the coding strand, the complement: GLA is on the minus strand). VCF-style: chrX-101401766-C-T. GRCh37 (hg19) VCF-style: chrX-100656754-C-T.
Other names: c.536G>A, p.Gly179Glu (NM_001406747.1, NM_001406749.1); c.413G>A, p.Gly138Glu (NM_001406748.1); c.300+6309C>T (NM_001199973.2); c.177+9944C>T (NM_001199974.2); short protein forms G138E, G179E.
Identifiers: ClinVar variation 946654 (VCV000946654.19), dbSNP rs1928326107, ClinGen allele CA413930427.